The following is an entry in ClinVar:

NM_206933.4(USH2A):c.14532_14535del (p.Ala4845fs)

Gene: USH2A (usherin; minus strand). Cytogenetic location: 1q41.
Variant type: Deletion.
Coding change: c.14532_14535del on transcript NM_206933.4 (MANE Select); coding-DNA positions 14532 to 14535, 4 bases deleted (GGCC; older notation c.14532_14535delGGCC).
Protein change: p.Ala4845fs; shifts the reading frame from alanine 4845.
Molecular consequence: frameshift variant.
Genome position (GRCh38, 1-based): chr1:215,648,575-215,648,578, GGCC deleted on the plus strand (GGCC on the coding strand, the reverse complement: USH2A is on the minus strand); deleting any 4 consecutive bases within chr1:215,648,575-215,648,579 gives the same sequence; the c. name uses the placement nearest the transcript's 3' end. VCF-style (leftmost placement, unchanged base first): chr1-215648574-AGGCC-A. GRCh37 (hg19) VCF-style: chr1-215821916-AGGCC-A.
Other names: short protein forms A4845fs.
Identifiers: ClinVar variation 2834700 (VCV002834700.3), dbSNP rs2464815473, ClinGen allele CA2739275621.

ClinVar aggregate classification (germline): Pathogenic (1 of 4 stars; one submission).

Submission:

Labcorp Genetics (formerly Invitae), Labcorp
Classification: Pathogenic. Last evaluated: 2023-02-04. Review status: criteria provided, single submitter. Criteria: Invitae Variant Classification Sherloc (09022015). Collection method: clinical testing. Allele origin: germline.
Comment: This sequence change creates a premature translational stop signal (p.Ala4845Profs*38) in the USH2A gene. It is expected to result in an absent or disrupted protein product. Loss-of-function variants in USH2A are known to be pathogenic (PMID: 10729113, 10909849, 20507924, 25649381). This variant is not present in population databases (gnomAD no frequency). This variant has not been reported in the literature in individuals affected with USH2A-related conditions. For these reasons, this variant has been classified as Pathogenic.

Literature cited by the submitters: PubMed 10729113; PubMed 10909849; PubMed 20507924; PubMed 25649381.